The following is an entry in ClinVar:

ClinVar aggregate classification (germline): Pathogenic/Likely pathogenic. Review status: criteria provided, multiple submitters, no conflicts (2 of 4 stars). 6 submissions from 6 submitters: Pathogenic (3); Likely pathogenic (2). 1 of the submissions does not count toward it. Last evaluated 2026-08-28.

Conditions:
Cardiovascular phenotype. Identifiers: MedGen CN230736.
Hereditary cancer-predisposing syndrome. Also called: Hereditary Cancer Syndrome; Tumor predisposition; Hereditary neoplastic syndrome; Neoplastic Syndromes, Hereditary. Identifiers: Orphanet 140162, MedGen C0027672, MeSH D009386, MONDO:0015356.
Neurofibromatosis, type 1 (NF1). Also called: Peripheral type neurofibromatosis; Neurofibromatosis, type I; VON RECKLINGHAUSEN DISEASE; NEUROFIBROMATOSIS, TYPE I, SOMATIC. Identifiers: Orphanet 636, MedGen C0027831, MONDO:0018975, OMIM 162200. Disease mechanism: loss of function.

Submissions (6):

Ambry Genetics
Classification: Pathogenic for Cardiovascular phenotype; Hereditary cancer-predisposing syndrome. Last evaluated: 2026-08-28. Review status: criteria provided, single submitter. Criteria: Ambry Variant Classification Scheme 2023. Collection method: clinical testing. Allele origin: germline.
Comment: The c.1393-2A>G intronic pathogenic mutation results from an A to G substitution two nucleotides upstream from coding exon 13 in the NF1 gene. This variant was reported in individual(s) with features consistent with Neurofibromatosis type 1; in at least one individual, it was presumed to be de novo (Hazan F et al. Neurol Sci, 2021 May;42:2045-2057; Ambry Internal Data). In silico splice site analysis predicts that this alteration will weaken the native splice acceptor site and will result in the creation or strengthening of a novel splice acceptor site; however, direct evidence is insufficient at this time (Ambry internal data). This variant was not reported in population-based cohorts in the Genome Aggregation Database (gnomAD). Based on the supporting evidence, this variant is interpreted as a disease-causing mutation.

Labcorp Genetics (formerly Invitae), Labcorp
Classification: Pathogenic for Neurofibromatosis, type 1. Last evaluated: 2022-09-03. Review status: criteria provided, single submitter. Criteria: Invitae Variant Classification Sherloc (09022015). Collection method: clinical testing. Allele origin: germline.
Comment: For these reasons, this variant has been classified as Pathogenic. Algorithms developed to predict the effect of sequence changes on RNA splicing suggest that this variant may disrupt the consensus splice site. ClinVar contains an entry for this variant (Variation ID: 492877). Disruption of this splice site has been observed in individuals with clinical features of neurofibromatosis type 1 (Invitae). This variant is not present in population databases (gnomAD no frequency). This sequence change affects an acceptor splice site in intron 12 of the NF1 gene. It is expected to disrupt RNA splicing. Variants that disrupt the donor or acceptor splice site typically lead to a loss of protein function (PMID: 16199547), and loss-of-function variants in NF1 are known to be pathogenic (PMID: 10712197, 23913538).

Genome-Nilou Lab
Classification: Likely pathogenic for Neurofibromatosis, type 1. Last evaluated: 2022-03-15. Review status: criteria provided, single submitter. Criteria: ACMG Guidelines, 2015. Collection method: clinical testing. Allele origin: germline. Affected: no.

GeneDx
Classification: Pathogenic. Last evaluated: 2021-05-25. Review status: criteria provided, single submitter. Criteria: GeneDx Variant Classification Process June 2021. Collection method: clinical testing. Allele origin: germline. Affected: yes.
Comment: Canonical splice site variant predicted to result in an in-frame deletion of exon 13; Deletions involving coding exons of this gene are a known mechanism of disease (Stenson et al., 2014); Has not been previously published as pathogenic or benign to our knowledge; Not observed in large population cohorts (Lek et al., 2016)

Center for Human Genetics, Inc
Classification: Likely pathogenic for Neurofibromatosis, type 1. Last evaluated: 2016-11-01. Review status: criteria provided, single submitter. Criteria: ACMG Guidelines, 2015. Collection method: clinical testing. Allele origin: germline. Affected: yes.

Clinical Molecular Genetics Laboratory, Johns Hopkins All Children's Hospital
Classification: Pathogenic for Neurofibromatosis, type 1. Last evaluated: 2014-10-06. Review status: no assertion criteria provided. Collection method: clinical testing. Allele origin: germline. Affected: yes. Not counted in ClinVar's aggregate classification.

Literature cited by the submitters: PubMed 33443663 (cited by Ambry Genetics); PubMed 16199547 (cited by Labcorp Genetics (formerly Invitae), Labcorp); PubMed 10712197 (cited by Labcorp Genetics (formerly Invitae), Labcorp); PubMed 23913538 (cited by Labcorp Genetics (formerly Invitae), Labcorp).

NM_001042492.3(NF1):c.1393-2A>G

Gene: NF1 (neurofibromin 1; plus strand). Cytogenetic location: 17q11.2.
Variant type: single nucleotide variant.
Coding change: c.1393-2A>G on transcript NM_001042492.3 (MANE Select); the canonical splice acceptor site of the intron before coding-DNA position 1393, A replaced by G.
Molecular consequence: splice acceptor variant.
Genome position (GRCh38, 1-based): chr17:31,214,449, A>G. VCF-style: chr17-31214449-A-G. GRCh37 (hg19) VCF-style: chr17-29541467-A-G.
Other names: c.1393-2A>G (NM_000267.4, NM_001128147.3, NM_000267.3).
Identifiers: ClinVar variation 492877 (VCV000492877.13), dbSNP rs1555612266, ClinGen allele CA399001399.